The following is an entry in ClinVar:

NM_005911.6(MAT2A):c.951+13TA[2]

Genes: GGCX (gamma-glutamyl carboxylase; minus strand), MAT2A (methionine adenosyltransferase 2A; plus strand). Cytogenetic location: 2p11.2.
Variant type: Microsatellite.
Coding change: c.951+13TA[2] on transcript NM_005911.6 (MANE Select); two copies in a row of the 2-base unit TA starting at c.951+13; the reference has three copies in a row; one copy, 2 bases deleted.
Molecular consequence: intron variant.
Genome position (GRCh38, 1-based): chr2:85,542,764-85,542,765, TA deleted; deleting any 2 consecutive bases within chr2:85,542,760-85,542,765 gives the same sequence; the position shown is the placement nearest the transcript's 3' end. VCF-style (leftmost placement, unchanged base first): chr2-85542759-TTA-T. GRCh37 (hg19) VCF-style: chr2-85769882-TTA-T.
Other names: c.951+17_951+18delTA (NM_005911.5).
Identifiers: ClinVar variation 511308 (VCV000511308.9), dbSNP rs748473561, ClinGen allele CA1741511.

ClinVar aggregate classification (germline): Likely benign. Review status: criteria provided, multiple submitters, no conflicts (2 of 4 stars). 3 submissions from 3 submitters: Likely benign (3). Last evaluated 2025-11-27.

Conditions:
Familial thoracic aortic aneurysm and aortic dissection (TAAD). Also called: Thoracic aortic aneurysms and dissections. Identifiers: Orphanet 91387, MedGen C4707243, MONDO:0019625.

Submissions (3):

Labcorp Genetics (formerly Invitae), Labcorp
Classification: Likely benign for Familial thoracic aortic aneurysm and aortic dissection. Last evaluated: 2025-11-27. Review status: criteria provided, single submitter. Criteria: Invitae Variant Classification Sherloc (09022015). Collection method: clinical testing. Allele origin: germline.

Blueprint Genetics
Classification: Likely benign. Last evaluated: 2023-09-28. Review status: criteria provided, single submitter. Criteria: ACMG Guidelines, 2015. Collection method: clinical testing. Allele origin: germline.

GeneDx
Classification: Likely benign. Last evaluated: 2017-08-15. Review status: criteria provided, single submitter. Criteria: GeneDx Variant Classification (06012015). Collection method: clinical testing. Allele origin: germline. Affected: yes.
Comment: This variant is considered likely benign or benign based on one or more of the following criteria: it is a conservative change, it occurs at a poorly conserved position in the protein, it is predicted to be benign by multiple in silico algorithms, and/or has population frequency not consistent with disease.